The following is an entry in ClinVar:

NM_001320.7(CSNK2B):c.102T>G (p.Phe34Leu)

Gene: CSNK2B (casein kinase 2 beta; plus strand). Cytogenetic location: 6p21.33.
Variant type: single nucleotide variant.
Coding change: c.102T>G on transcript NM_001320.7 (MANE Select); coding-DNA position 102, T replaced by G.
Protein change: p.Phe34Leu; replaces phenylalanine 34 with leucine.
Molecular consequence: missense variant.
Genome position (GRCh38, 1-based): chr6:31,667,897, T>G. VCF-style: chr6-31667897-T-G. GRCh37 (hg19) VCF-style: chr6-31635674-T-G.
Other names: c.102T>G, p.Phe34Leu (NM_001282385.2); short protein forms F34L.
Identifiers: ClinVar variation 4881182 (VCV004881182.2).

ClinVar aggregate classification (germline): Uncertain significance (1 of 4 stars; one submission).

Submission:

Dasa
Classification: Uncertain significance. Last evaluated: 2026-02-23. Review status: criteria provided, single submitter. Criteria: DASA Assertion Criteria. Collection method: clinical testing. Allele origin: germline.
Comment: NM_001320.7(CSNK2B):c.102T>G (p.Phe34Leu) is a missense variant that results in the substitution of phenylalanine with leucine. The affected residue or protein region has prior evidence supporting clinical relevance. This variant is absent from population databases. Computational prediction algorithms are consistent with a deleterious effect. The currently available literature and clinical evidence are not sufficient to establish a definitive association between this variant and the reported condition. Therefore, this variant is classified as a variant of uncertain significance.